The following is an entry in ClinVar:

NM_001123385.2(BCOR):c.4345A>G (p.Met1449Val)

Gene: BCOR (BCL6 corepressor; minus strand). Cytogenetic location: Xp11.4.
Variant type: single nucleotide variant.
Coding change: c.4345A>G on transcript NM_001123385.2 (MANE Select); coding-DNA position 4345, A replaced by G.
Protein change: p.Met1449Val; replaces methionine 1449 with valine.
Molecular consequence: missense variant.
Genome position (GRCh38, 1-based): chrX:40,062,222, T>C on the plus strand (A>G on the coding strand, the complement: BCOR is on the minus strand). VCF-style: chrX-40062222-T-C. GRCh37 (hg19) VCF-style: chrX-39921475-T-C.
Other names: c.4243A>G, p.Met1415Val (NM_001123383.2, NM_017745.6); c.4189A>G, p.Met1397Val (NM_001123384.2); short protein forms M1397V, M1415V, M1449V.
Identifiers: ClinVar variation 1306080 (VCV001306080.2), dbSNP rs774520249, ClinGen allele CA10386462.

ClinVar aggregate classification (germline): Uncertain significance (1 of 4 stars; one submission).

Allele frequency attached by ClinVar (database versions not stated): TOPMed below 0.00001; ExAC 0.00002; gnomAD 0.00001.

Submission:

GeneDx
Classification: Uncertain significance. Last evaluated: 2019-06-13. Review status: criteria provided, single submitter. Criteria: GeneDx Variant Classification Process June 2021. Collection method: clinical testing. Allele origin: germline. Affected: yes.
Comment: In silico analysis, which includes protein predictors and evolutionary conservation, supports that this variant does not alter protein structure/function; Has not been previously published as pathogenic or benign to our knowledge